The following is an entry in ClinVar:

ClinVar aggregate classification (germline): Uncertain significance (1 of 4 stars; one submission).

Conditions:
Hereditary cancer-predisposing syndrome. Also called: Tumor predisposition; Hereditary neoplastic syndrome; Neoplastic Syndromes, Hereditary; Hereditary Cancer Syndrome. Identifiers: Orphanet 140162, MedGen C0027672, MeSH D009386, MONDO:0015356.

Submission:

Ambry Genetics
Classification: Uncertain significance for Hereditary cancer-predisposing syndrome. Last evaluated: 2018-06-07. Review status: criteria provided, single submitter. Criteria: Ambry Variant Classification Scheme 2023. Collection method: clinical testing. Allele origin: germline.
Comment: The p.I497V variant (also known as c.1489A>G), located in coding exon 12 of the MRE11A gene, results from an A to G substitution at nucleotide position 1489. The isoleucine at codon 497 is replaced by valine, an amino acid with highly similar properties. This amino acid position is highly conserved in available vertebrate species. In addition, the in silico prediction for this alteration is inconclusive. Since supporting evidence is limited at this time, the clinical significance of this alteration remains unclear.

NM_005591.4(MRE11):c.1489A>G (p.Ile497Val)

Gene: MRE11 (MRE11 double strand break repair nuclease; minus strand). Cytogenetic location: 11q21.
Variant type: single nucleotide variant.
Coding change: c.1489A>G on transcript NM_005591.4 (MANE Select); coding-DNA position 1489, A replaced by G.
Protein change: p.Ile497Val; replaces isoleucine 497 with valine.
Molecular consequence: missense variant.
Genome position (GRCh38, 1-based): chr11:94,459,419, T>C on the plus strand (A>G on the coding strand, the complement: MRE11 is on the minus strand). VCF-style: chr11-94459419-T-C. GRCh37 (hg19) VCF-style: chr11-94192585-T-C.
Other names: c.1489A>G, p.Ile497Val (NM_001330347.2, NM_005590.4); short protein forms I497V.
Identifiers: ClinVar variation 819354 (VCV000819354.4), dbSNP rs1591672198, ClinGen allele CA382371650.